The following is an entry in ClinVar:

ClinVar aggregate classification (germline): Uncertain significance (1 of 4 stars; one submission).

Conditions:
Emery-Dreifuss muscular dystrophy 5, autosomal dominant (EDMD5). Also called: EMERY-DREIFUSS MUSCULAR DYSTROPHY 5. Identifiers: Orphanet 261, MedGen C2751805, MONDO:0013072, OMIM 612999.

Submission:

Labcorp Genetics (formerly Invitae), Labcorp
Classification: Uncertain significance for Emery-Dreifuss muscular dystrophy 5, autosomal dominant. Last evaluated: 2025-03-31. Review status: criteria provided, single submitter. Criteria: Invitae Variant Classification Sherloc (09022015). Collection method: clinical testing. Allele origin: germline.
Comment: This sequence change replaces serine, which is neutral and polar, with threonine, which is neutral and polar, at codon 4431 of the SYNE2 protein (p.Ser4431Thr). This variant is not present in population databases (gnomAD no frequency). This variant has not been reported in the literature in individuals affected with SYNE2-related conditions. ClinVar contains an entry for this variant (Variation ID: 2835477). An algorithm developed to predict the effect of missense changes on protein structure and function (PolyPhen-2) suggests that this variant is likely to be tolerated. In summary, the available evidence is currently insufficient to determine the role of this variant in disease. Therefore, it has been classified as a Variant of Uncertain Significance.

NM_182914.3(SYNE2):c.13291T>A (p.Ser4431Thr)

Gene: SYNE2 (spectrin repeat containing nuclear envelope protein 2; plus strand). Cytogenetic location: 14q23.2.
Variant type: single nucleotide variant.
Coding change: c.13291T>A on transcript NM_182914.3 (MANE Select); coding-DNA position 13291, T replaced by A.
Protein change: p.Ser4431Thr; replaces serine 4431 with threonine.
Molecular consequence: missense variant.
Genome position (GRCh38, 1-based): chr14:64,122,296, T>A. VCF-style: chr14-64122296-T-A. GRCh37 (hg19) VCF-style: chr14-64589014-T-A.
Other names: c.13291T>A, p.Ser4431Thr (NM_015180.6); short protein forms S4431T.
Identifiers: ClinVar variation 2835477 (VCV002835477.3), dbSNP rs2153667258, ClinGen allele CA389963951.